The following is an entry in ClinVar:

ClinVar aggregate classification (germline): Likely benign. Review status: criteria provided, multiple submitters, no conflicts (2 of 4 stars). 2 submissions from 2 submitters: Likely benign (2). Last evaluated 2025-01-20.

Conditions:
Tuberous sclerosis 2 (TSC2). Identifiers: Orphanet 805, MedGen C1860707, MONDO:0013199, OMIM 613254.
Tuberous sclerosis syndrome (TSC). Also called: Tuberous Sclerosis Complex; Tuberous sclerosis. Identifiers: Orphanet 805, MedGen C0041341, MONDO:0001734.

gnomAD v4.1: 1 of 1,611,996 alleles (0.000062%); highest among the groups gnomAD compares: Non-Finnish European, 0.000085%; no homozygotes.

Submissions (2):

Labcorp Genetics (formerly Invitae), Labcorp
Classification: Likely benign for Tuberous sclerosis 2. Last evaluated: 2025-01-20. Review status: criteria provided, single submitter. Criteria: Invitae Variant Classification Sherloc (09022015). Collection method: clinical testing. Allele origin: germline.

All of Us Research Program, National Institutes of Health
Classification: Likely benign for Tuberous sclerosis syndrome. Last evaluated: 2023-04-03. Review status: criteria provided, single submitter. Criteria: ACMG Guidelines, 2015. Collection method: clinical testing. Allele origin: germline. Inheritance: Autosomal dominant inheritance. Observed: 1 variant allele, 1 heterozygote.
Comment: This study involves interpretation of variants in research participants for the purpose of population health screening. Participant phenotype was not available at the time of variant classification. Additional details can be found in publication PMID: 35346344, PMCID: PMC8962531

NM_000548.5(TSC2):c.3867G>A (p.Arg1289=)

Gene: TSC2 (TSC complex subunit 2; plus strand). Cytogenetic location: 16p13.3.
Variant type: single nucleotide variant.
Coding change: c.3867G>A on transcript NM_000548.5 (MANE Select); coding-DNA position 3867, G replaced by A.
Protein change: p.Arg1289=; no amino-acid change (arginine 1289 retained).
Molecular consequence: synonymous variant. On other transcripts: intron variant (6).
Genome position (GRCh38, 1-based): chr16:2,082,488, G>A. VCF-style: chr16-2082488-G-A. GRCh37 (hg19) VCF-style: chr16-2132489-G-A.
Other names: c.3135G>A, p.Arg1045= (NM_001318831.2); c.3735G>A, p.Arg1245= (NM_001370404.1); c.3738G>A, p.Arg1246= (NM_001370405.1, NM_021055.3); c.3814+690G>A (NM_001114382.3); c.3685+690G>A (NM_001363528.2); c.3682+690G>A (NM_001077183.3); c.3574+690G>A (NM_001318827.2); c.3538+690G>A (NM_001318829.2); and 1 more.
Identifiers: ClinVar variation 1548285 (VCV001548285.9), dbSNP rs1008733639, ClinGen allele CA276750928.
Genomic context (GRCh38, chr16:2,082,488, plus strand): 5'-CCTTGCAGTGGCCTCTTTCTCCTCCCTGTACCAGTCCAGCTGCCAAGGACAGCTGCACAG[G>A]AGCGTTTCCTGGGCAGGTATCGCCTCTCAGAGGGAAGCGGTTGGCTGCAGAGCGCCACTC-3'
Protein context (NP_000539.2, residues 1279-1299): YQSSCQGQLH[Arg1289=]SVSWADSAVV